The following is an entry in ClinVar:

ClinVar aggregate classification (germline): Conflicting classifications of pathogenicity. Review status: criteria provided, conflicting classifications (1 of 4 stars). 9 submissions from 9 submitters: Uncertain significance (5); Likely benign (2). 2 of the submissions do not count toward it. Last evaluated 2025-12-26.

Conditions:
Hereditary cancer-predisposing syndrome. Also called: Neoplastic Syndromes, Hereditary; Tumor predisposition; Hereditary neoplastic syndrome; Hereditary Cancer Syndrome. Identifiers: Orphanet 140162, MedGen C0027672, MeSH D009386, MONDO:0015356.
Hereditary breast ovarian cancer syndrome. Also called: Hereditary breast and ovarian cancer syndrome; Hereditary breast and ovarian cancer; Hereditary breast and ovarian cancer syndrome (HBOC); Breast and ovarian cancer; Hereditary breast and/or ovarian cancer syndrome; BRCA1- and BRCA2-Associated Hereditary Breast and Ovarian Cancer. Identifiers: Orphanet 145, MedGen C0677776, MeSH D061325, MONDO:0003582. Disease mechanism: loss of function.
Breast-ovarian cancer, familial, susceptibility to, 2 (BROVCA2). Also called: BRCA2 Hereditary Breast and Ovarian Cancer. Identifiers: Orphanet 145, MedGen C2675520, MONDO:0012933, OMIM 612555. Disease mechanism: loss of function.

Allele frequency attached by ClinVar (database versions not stated): TOPMed below 0.00001; gnomAD 0.00001.
gnomAD v4.1: 1 of 1,609,682 alleles (0.000062%); highest among the groups gnomAD compares: Non-Finnish European, 0.000085%; no homozygotes.

Submissions (9):

Women's Health and Genetics/Laboratory Corporation of America, LabCorp
Classification: Uncertain significance. Last evaluated: 2025-12-26. Review status: criteria provided, single submitter. Criteria: LabCorp Variant Classification Summary - May 2015. Collection method: clinical testing. Allele origin: germline.
Comment: Variant summary: BRCA2 c.5596T>C (p.Phe1866Leu) results in a non-conservative amino acid change located in the BRCA2 repeat region of the encoded protein sequence. Algorithms developed to predict the effect of missense changes on protein structure and function are either unavailable or do not agree on the potential impact of this missense change. The variant was absent in 246000 control chromosomes. The available data on variant occurrences in the general population are insufficient to allow any conclusion about variant significance. c.5596T>C has been reported in the literature with limited available information (Wagner_1999). These report(s) do not provide unequivocal conclusions about association of the variant with Hereditary Breast And Ovarian Cancer Syndrome. To our knowledge, no experimental evidence demonstrating an impact on protein function has been reported. The following publication have been ascertained in the context of this evaluation (PMID: 10644434). ClinVar contains an entry for this variant (Variation ID: 51887). Based on the evidence outlined above, the variant was classified as uncertain significance.

Labcorp Genetics (formerly Invitae), Labcorp
Classification: Uncertain significance for Hereditary breast ovarian cancer syndrome. Last evaluated: 2025-11-24. Review status: criteria provided, single submitter. Criteria: Invitae Variant Classification Sherloc (09022015). Collection method: clinical testing. Allele origin: germline.
Comment: This sequence change replaces phenylalanine, which is neutral and non-polar, with leucine, which is neutral and non-polar, at codon 1866 of the BRCA2 protein (p.Phe1866Leu). This variant is not present in population databases (gnomAD no frequency). This missense change has been observed in individual(s) with clinical features of BRCA2-related conditions (PMID: 10923033). ClinVar contains an entry for this variant (Variation ID: 51887). Invitae Evidence Modeling of protein sequence and biophysical properties (such as structural, functional, and spatial information, amino acid conservation, physicochemical variation, residue mobility, and thermodynamic stability) indicates that this missense variant is not expected to disrupt BRCA2 protein function with a negative predictive value of 95%. In summary, the available evidence is currently insufficient to determine the role of this variant in disease. Therefore, it has been classified as a Variant of Uncertain Significance.

Color Diagnostics, LLC DBA Color Health
Classification: Uncertain significance for Hereditary cancer-predisposing syndrome. Last evaluated: 2025-09-10. Review status: criteria provided, single submitter. Criteria: ACMG Guidelines, 2015. Collection method: clinical testing. Allele origin: germline.
Comment: This missense variant replaces phenylalanine with leucine at codon 1866 of the BRCA2 protein. This variant is also known as 5824T>C by the by Breast Cancer Information Core (BIC) nomenclature. Computational prediction suggests that this variant may not impact protein structure and function. To our knowledge, functional studies have not been performed for this variant. This variant has been detected in a breast cancer case-control meta-analysis in 2/60466 cases and 3/53461 unaffected individuals (PMID: 33471991Leiden Open Variation Database DB-ID BRCA2_008353). A multifactorial analysis has reached a combined likelihood ratio (LR) of 1.776 based on reported LR for segregation and personal and family history for 1 carrier (PMID: 31131967, 31853058). This variant has not been identified in the general population by the Genome Aggregation Database (gnomAD). The available evidence is insufficient to determine the role of this variant in disease conclusively. Therefore, this variant is classified as a Variant of Uncertain Significance.

Center for Genomic Medicine, Rigshospitalet, Copenhagen University Hospital
Classification: Likely benign. Last evaluated: 2025-03-04. Review status: criteria provided, single submitter. Criteria: ACMG Guidelines, 2015. Collection method: clinical testing. Allele origin: germline.

Ambry Genetics
Classification: Uncertain significance for Hereditary cancer-predisposing syndrome. Last evaluated: 2024-11-03. Review status: criteria provided, single submitter. Criteria: Ambry Variant Classification Scheme 2023. Collection method: clinical testing. Allele origin: germline.
Comment: The p.F1866L variant (also known as c.5596T>C or 5824T>C), located in coding exon 10 of the BRCA2 gene, results from a T to C substitution at nucleotide position 5596. The phenylalanine at codon 1866 is replaced by leucine, an amino acid with highly similar properties. This amino acid position is not well conserved in available vertebrate species. In addition, this alteration is predicted to be tolerated by in silico analysis. Since supporting evidence is limited at this time, the clinical significance of this alteration remains unclear.

Quest Diagnostics Nichols Institute San Juan Capistrano
Classification: Uncertain significance. Last evaluated: 2024-01-24. Review status: criteria provided, single submitter. Criteria: Quest Diagnostics criteria. Collection method: clinical testing. Allele origin: unknown.
Comment: The BRCA2 c.5596T>C (p.Phe1866Leu) variant (also known as 5824T>C) has been reported in the published literature in a cohort of individuals with a personal or family history of breast/ovarian cancer (PMID: 10644434 (1999)), and described to be located in a region of the BRCA2 gene that is tolerant to missense sequence changes (PMID: 31911673 (2020)). In a breast cancer association study, this variant was observed in two individuals with breast cancer as well as three reportedly healthy individuals (PMID: 33471991 (2021), see also LOVD). The frequency of this variant in the general population, 0.0000066 (1/152132 chromosomes (Genome Aggregation Database)), is uninformative in the assessment of its pathogenicity. Analysis of this variant using bioinformatics tools for the prediction of the effect of amino acid changes on protein structure and function yielded predictions that this variant is benign. Based on the available information, we are unable to determine the clinical significance of this variant.

University of Washington Department of Laboratory Medicine, University of Washington
Classification: Likely benign for Hereditary cancer-predisposing syndrome. Last evaluated: 2023-03-23. Review status: criteria provided, single submitter. Criteria: Dines et al. (Genet Med. 2020). Collection method: curation. Allele origin: germline.
Comment: Missense variant in a coldspot region where missense variants are very unlikely to be pathogenic (PMID:31911673).

BRCA2 exon 11 coldspot. Reclassification based on statistical prior probability.

BRCAlab, Lund University
Classification: Uncertain significance for Breast-ovarian cancer, familial, susceptibility to, 2. Last evaluated: 2020-03-02. Review status: no assertion criteria provided. Collection method: clinical testing. Allele origin: germline. Affected: yes. Not counted in ClinVar's aggregate classification.

Breast Cancer Information Core (BIC) (BRCA2)
Classification: Uncertain significance for Breast-ovarian cancer, familial 2. Review status: no assertion criteria provided. Collection method: clinical testing. Allele origin: germline. Affected: yes. Observed: 1 variant allele. Not counted in ClinVar's aggregate classification.

Literature cited by the submitters: PubMed 10644434 (cited by Women's Health and Genetics/Laboratory Corporation of America, LabCorp and Quest Diagnostics Nichols Institute San Juan Capistrano); PubMed 10923033 (cited by Labcorp Genetics (formerly Invitae), Labcorp); PubMed 31131967 (cited by Color Diagnostics, LLC DBA Color Health); PubMed 31853058 (cited by Color Diagnostics, LLC DBA Color Health); PubMed 33471991 (cited by Color Diagnostics, LLC DBA Color Health and Quest Diagnostics Nichols Institute San Juan Capistrano); PubMed 31911673 (cited by Quest Diagnostics Nichols Institute San Juan Capistrano).

NM_000059.4(BRCA2):c.5596T>C (p.Phe1866Leu)

Gene: BRCA2 (BRCA2 DNA repair associated; plus strand). Cytogenetic location: 13q13.1.
Variant type: single nucleotide variant.
Coding change: c.5596T>C on transcript NM_000059.4 (MANE Select); coding-DNA position 5596, T replaced by C.
Protein change: p.Phe1866Leu; replaces phenylalanine 1866 with leucine.
Molecular consequence: missense variant.
Genome position (GRCh38, 1-based): chr13:32,339,951, T>C. VCF-style: chr13-32339951-T-C. GRCh37 (hg19) VCF-style: chr13-32914088-T-C.
Other names: short protein forms F1866L.
Identifiers: ClinVar variation 51887 (VCV000051887.26), dbSNP rs80358779, ClinGen allele CA022674.
Genomic context (GRCh38, chr13:32,339,951, plus strand): 5'-ATAGCCAGTGGTAAAATCGTTTGTGTTTCACATGAAACAATTAAAAAAGTGAAAGACATA[T>C]TTACAGACAGTTTCAGTAAAGTAATTAAGGAAAACAACGAGAATAAATCAAAAATTTGCC-3'
Protein context (NP_000050.3, residues 1856-1876): HETIKKVKDI[Phe1866Leu]TDSFSKVIKE